The following is an entry in ClinVar:

ClinVar aggregate classification (germline): Uncertain significance (1 of 4 stars; one submission).

Conditions:
46,XY sex reversal 9 (SRXY9). Also called: 46,XY SEX REVERSAL, ZFPM2-RELATED. Identifiers: Orphanet 251510, MedGen C4015129, MONDO:0014480, OMIM 616067.

gnomAD v4.1: 1 of 1,613,814 alleles (0.000062%); highest among the groups gnomAD compares: African/African-American, 0.0013%; no homozygotes.

Submission:

Labcorp Genetics (formerly Invitae), Labcorp
Classification: Uncertain significance for 46,XY sex reversal 9. Last evaluated: 2025-11-21. Review status: criteria provided, single submitter. Criteria: Invitae Variant Classification Sherloc (09022015). Collection method: clinical testing. Allele origin: germline.
Comment: This sequence change replaces histidine, which is basic and polar, with arginine, which is basic and polar, at codon 1000 of the ZFPM2 protein (p.His1000Arg). This variant is not present in population databases (gnomAD no frequency). This variant has not been reported in the literature in individuals affected with ZFPM2-related conditions. An algorithm developed to predict the effect of missense changes on protein structure and function (PolyPhen-2) suggests that this variant is likely to be tolerated. In summary, the available evidence is currently insufficient to determine the role of this variant in disease. Therefore, it has been classified as a Variant of Uncertain Significance.

NM_012082.4(ZFPM2):c.2999A>G (p.His1000Arg)

Genes: ZFPM2 (zinc finger protein, FOG family member 2; plus strand), ZFPM2-AS1 (ZFPM2 antisense RNA 1; minus strand), LOC126860469 (BRD4-independent group 4 enhancer GRCh37_chr8:106814445-106815644; plus strand). Cytogenetic location: 8q23.1.
Variant type: single nucleotide variant.
Coding change: c.2999A>G on transcript NM_012082.4 (MANE Select); coding-DNA position 2999, A replaced by G.
Protein change: p.His1000Arg; replaces histidine 1000 with arginine.
Molecular consequence: missense variant.
Genome position (GRCh38, 1-based): chr8:105,803,081, A>G. VCF-style: chr8-105803081-A-G. GRCh37 (hg19) VCF-style: chr8-106815309-A-G.
Other names: c.2840A>G, p.His947Arg (NM_001362836.2); c.2603A>G, p.His868Arg (NM_001362837.2); short protein forms H1000R, H868R, H947R.
Identifiers: ClinVar variation 4810471 (VCV004810471.1).
Genomic context (GRCh38, chr8:105,803,081, plus strand): 5'-AGCTTTCTCCATATTATGGAATCAAGCCAAGTGATTATATTTCTGGTTCTCTTGTCATCC[A>G]TAACACTGACATCGAGCAAAGCAGAAATGCAGAAAATGAATCTCCTAAAGGCCAGGCTTC-3'
Protein context (NP_036214.2, residues 990-1010): SDYISGSLVI[His1000Arg]NTDIEQSRNA